The following is an entry in ClinVar:

ClinVar aggregate classification (germline): Likely benign. Review status: criteria provided, multiple submitters, no conflicts (2 of 4 stars). 3 submissions from 3 submitters: Likely benign (3). Last evaluated 2023-08-15.

Conditions:
Cardiomyopathy (CMYO). Also called: Cardiomyopathies. Identifiers: Orphanet 167848, MedGen C0878544, MONDO:0004994, HP:0001638. Inheritance: Various modes of inheritance.
Hypertrophic cardiomyopathy. Also called: HYPERTROPHIC MYOCARDIOPATHY. Identifiers: Orphanet 217569, MedGen C0007194, MeSH D002312, MONDO:0005045, HP:0001639.

Allele frequency attached by ClinVar (database versions not stated): gnomAD exomes below 0.00001; TOPMed below 0.00001; gnomAD 0.00001.
gnomAD v4.1: 5 of 1,613,908 alleles (0.00031%); highest among the groups gnomAD compares: East Asian, 0.0089%; no homozygotes.

Submissions (3):

All of Us Research Program, National Institutes of Health
Classification: Likely benign for Cardiomyopathy. Last evaluated: 2023-08-15. Review status: criteria provided, single submitter. Criteria: ACMG Guidelines, 2015. Collection method: clinical testing. Allele origin: germline. Inheritance: Autosomal dominant inheritance. Observed: 1 variant allele, 1 heterozygote.
Comment: This study involves interpretation of variants in research participants for the purpose of population health screening. Participant phenotype was not available at the time of variant classification. Additional details can be found in publication PMID: 35346344, PMCID: PMC8962531

Color Diagnostics, LLC DBA Color Health
Classification: Likely benign for Cardiomyopathy. Last evaluated: 2023-08-02. Review status: criteria provided, single submitter. Criteria: ACMG Guidelines, 2015. Collection method: clinical testing. Allele origin: germline.

Labcorp Genetics (formerly Invitae), Labcorp
Classification: Likely benign for Hypertrophic cardiomyopathy. Last evaluated: 2023-03-15. Review status: criteria provided, single submitter. Criteria: Invitae Variant Classification Sherloc (09022015). Collection method: clinical testing. Allele origin: germline.

NM_000257.4(MYH7):c.834A>G (p.Lys278=)

Gene: MYH7 (myosin heavy chain 7; minus strand). Cytogenetic location: 14q11.2.
Variant type: single nucleotide variant.
Coding change: c.834A>G on transcript NM_000257.4 (MANE Select); coding-DNA position 834, A replaced by G.
Protein change: p.Lys278=; no amino-acid change (lysine 278 retained).
Molecular consequence: synonymous variant.
Genome position (GRCh38, 1-based): chr14:23,430,962, T>C on the plus strand (A>G on the coding strand, the complement: MYH7 is on the minus strand). VCF-style: chr14-23430962-T-C. GRCh37 (hg19) VCF-style: chr14-23900171-T-C.
Other names: c.834A>G, p.Lys278= (NM_001407004.1).
Identifiers: ClinVar variation 2990167 (VCV002990167.5), dbSNP rs1474253373, ClinGen allele CA485626206.